The following is an entry in ClinVar:

ClinVar aggregate classification (germline): Pathogenic (1 of 4 stars; one submission).

Conditions:
Deafness-lymphedema-leukemia syndrome. Also called: Emberger syndrome; Lymphedema, primary, with myelodysplasia. Identifiers: Orphanet 3226, MedGen C3279664, MONDO:0013540, OMIM 614038.
GATA2 deficiency with susceptibility to MDS/AML. Identifiers: MedGen CN300066, MONDO:0042982.

Submission:

Molecular Pathology Research Laboratory, SA Pathology
Classification: Pathogenic for GATA2 deficiency with susceptibility to MDS/AML; Deafness-lymphedema-leukemia syndrome. Last evaluated: 2021-07-06. Review status: criteria provided, single submitter. Criteria: ACMG Guidelines, 2015. Collection method: curation. Allele origin: unknown. Inheritance: Autosomal dominant inheritance. Affected: yes. Observed: 2 variant alleles.
Comment: PVS1, PS4_Moderate, PM2

Literature cited by the submitters: PubMed 29279357; PubMed 24345756.

NM_032638.5(GATA2):c.735dup (p.Ile246fs)

Gene: GATA2 (GATA binding protein 2; minus strand). Cytogenetic location: 3q21.3.
Variant type: Duplication.
Coding change: c.735dup on transcript NM_032638.5 (MANE Select); coding-DNA position 735, one base duplicated (C; older notation c.735dupC).
Protein change: p.Ile246fs; shifts the reading frame from isoleucine 246.
Molecular consequence: frameshift variant.
Genome position (GRCh38, 1-based): chr3:128,485,863, G duplicated on the plus strand (C on the coding strand, the reverse complement: GATA2 is on the minus strand); the first of 4 consecutive G bases (chr3:128,485,863-128,485,866); duplicating any one gives the same sequence. VCF-style (leftmost placement, unchanged base first): chr3-128485862-T-TG. GRCh37 (hg19) VCF-style: chr3-128204705-T-TG.
Other names: c.735dup, p.Ile246fs (NM_001145661.2, NM_001145662.1); short protein forms I246fs.
Identifiers: ClinVar variation 1184231 (VCV001184231.1), dbSNP rs2107672055, ClinGen allele CA1139532793.